The following is an entry in ClinVar:

NM_024675.4(PALB2):c.1268_1270del (p.Val423del)

Gene: PALB2 (partner and localizer of BRCA2; minus strand). Cytogenetic location: 16p12.2.
Variant type: Deletion.
Coding change: c.1268_1270del on transcript NM_024675.4 (MANE Select); coding-DNA positions 1268 to 1270, 3 bases deleted (TAG; older notation c.1268_1270delTAG).
Protein change: p.Val423del; deletes valine 423.
Molecular consequence: inframe deletion. On other transcripts: intron variant (3).
Genome position (GRCh38, 1-based): chr16:23,635,276-23,635,278, CTA deleted on the plus strand (TAG on the coding strand, the reverse complement: PALB2 is on the minus strand); deleting any 3 consecutive bases within chr16:23,635,276-23,635,280 gives the same sequence; the c. name uses the placement nearest the transcript's 3' end. VCF-style (leftmost placement, unchanged base first): chr16-23635275-GCTA-G. GRCh37 (hg19) VCF-style: chr16-23646596-GCTA-G.
Other names: c.1208_1210del, p.Val403del (NM_001407296.1); c.1268_1270del, p.Val423del (NM_001407297.1, NM_001407298.1, NM_001407299.1 and 3 more transcripts); c.383_385del, p.Val128del (NM_001407304.1, NM_001407305.1, NM_001407306.1 and 5 more transcripts); c.48+5832_48+5834del (NM_001407314.1); c.-104-4809_-104-4807del (NM_001407313.1, NM_001407312.1); short protein forms V423del, V128del, V403del.
Identifiers: ClinVar variation 2857536 (VCV002857536.3), dbSNP rs2506483269, ClinGen allele CA2739266684.

ClinVar aggregate classification (germline): Uncertain significance (1 of 4 stars; one submission).

Conditions:
Familial cancer of breast. Also called: Hereditary breast cancer; BREAST CANCER, FAMILIAL; hereditary breast carcinoma. Identifiers: Orphanet 227535, MedGen C0346153, MONDO:0016419, OMIM 114480. Disease mechanism: loss of function.

Submission:

Labcorp Genetics (formerly Invitae), Labcorp
Classification: Uncertain significance for Familial cancer of breast. Last evaluated: 2023-04-19. Review status: criteria provided, single submitter. Criteria: Invitae Variant Classification Sherloc (09022015). Collection method: clinical testing. Allele origin: germline.
Comment: This variant has not been reported in the literature in individuals affected with PALB2-related conditions. Experimental studies and prediction algorithms are not available or were not evaluated, and the functional significance of this variant is currently unknown. In summary, the available evidence is currently insufficient to determine the role of this variant in disease. Therefore, it has been classified as a Variant of Uncertain Significance. This variant, c.1268_1270del, results in the deletion of 1 amino acid(s) of the PALB2 protein (p.Val423del), but otherwise preserves the integrity of the reading frame. This variant is not present in population databases (gnomAD no frequency).